The following is an entry in ClinVar:

NM_015404.4(WHRN):c.1626+9C>A

Gene: WHRN (whirlin; minus strand). Cytogenetic location: 9q32.
Variant type: single nucleotide variant.
Coding change: c.1626+9C>A on transcript NM_015404.4 (MANE Select); 9 bases into the intron after coding-DNA position 1626, C replaced by A.
Molecular consequence: intron variant.
Genome position (GRCh38, 1-based): chr9:114,423,305, G>T on the plus strand (C>A on the coding strand, the complement: WHRN is on the minus strand). VCF-style: chr9-114423305-G-T. GRCh37 (hg19) VCF-style: chr9-117185585-G-T.
Other names: c.1626+9C>A (NM_001173425.2); c.477+9C>A (NM_001083885.3); c.573+9C>A (NM_001346890.1).
Identifiers: ClinVar variation 179503 (VCV000179503.6), dbSNP rs727504908, ClinGen allele CA184554.
Genomic context (GRCh38, chr9:114,423,305, plus strand): 5'-CTCACTCCAAAGCCAGCATCTTAACTCTGCCCTGGCTACTAAGCCAGGGACAAGGCAGAA[G>T]AAGCTCACCCTGGCCGAGCTGACGGTGGTGGAGGTGCCGTGGCTGCCTGTGGATGAACCC-3'

ClinVar aggregate classification (germline): Likely benign. Review status: criteria provided, multiple submitters, no conflicts (2 of 4 stars). 2 submissions from 2 submitters: Likely benign (2). Last evaluated 2024-04-11.

gnomAD v4.1: 2 of 1,613,792 alleles (0.00012%); highest among the groups gnomAD compares: Non-Finnish European, 0.00017%; no homozygotes.

Submissions (2):

Blueprint Genetics
Classification: Likely benign. Last evaluated: 2024-04-11. Review status: criteria provided, single submitter. Criteria: ACMG Guidelines, 2015. Collection method: clinical testing. Allele origin: germline.

Laboratory for Molecular Medicine, Mass General Brigham Personalized Medicine
Classification: Likely benign. Last evaluated: 2014-01-02. Review status: criteria provided, single submitter. Criteria: LMM Criteria. Collection method: clinical testing. Allele origin: germline. Observed: 1 variant allele.
Comment: 1626+9C>A variant in intron 7 of DFNB31: This variant is not expected to have c linical significance because it is not located within the splice consensus seque nce and is not predicted to alter splicing.